The following is an entry in ClinVar:

ClinVar aggregate classification (germline): Conflicting classifications of pathogenicity. Review status: criteria provided, conflicting classifications (1 of 4 stars). 2 submissions from 2 submitters: Uncertain significance (1); Likely benign (1). Last evaluated 2025-08-20.

Allele frequency attached by ClinVar (database versions not stated): gnomAD exomes 0.00002; TOPMed 0.00002; ExAC 0.00007; ESP Exome Variant Server 0.00015.
gnomAD v4.1: 38 of 1,614,062 alleles (0.0024%); highest among the groups gnomAD compares: Middle Eastern, 0.017%; no homozygotes.

Submissions (2):

Labcorp Genetics (formerly Invitae), Labcorp
Classification: Uncertain significance. Last evaluated: 2025-08-20. Review status: criteria provided, single submitter. Criteria: Invitae Variant Classification Sherloc (09022015). Collection method: clinical testing. Allele origin: germline.
Comment: This sequence change replaces arginine, which is basic and polar, with histidine, which is basic and polar, at codon 4604 of the HMCN1 protein (p.Arg4604His). This variant is present in population databases (rs147789097, gnomAD 0.02%). This variant has not been reported in the literature in individuals affected with HMCN1-related conditions. ClinVar contains an entry for this variant (Variation ID: 2179986). An algorithm developed to predict the effect of missense changes on protein structure and function outputs the following: PolyPhen-2: "Benign". The histidine amino acid residue is found in multiple mammalian species, which suggests that this missense change does not adversely affect protein function. In summary, the available evidence is currently insufficient to determine the role of this variant in disease. Therefore, it has been classified as a Variant of Uncertain Significance.

Ambry Genetics
Classification: Likely benign. Last evaluated: 2022-07-12. Review status: criteria provided, single submitter. Criteria: Ambry Variant Classification Scheme 2023. Collection method: clinical testing. Allele origin: germline.

NM_031935.3(HMCN1):c.13811G>A (p.Arg4604His)

Gene: HMCN1 (hemicentin 1; plus strand). Cytogenetic location: 1q31.1.
Variant type: single nucleotide variant.
Coding change: c.13811G>A on transcript NM_031935.3 (MANE Select); coding-DNA position 13811, G replaced by A.
Protein change: p.Arg4604His; replaces arginine 4604 with histidine.
Molecular consequence: missense variant.
Genome position (GRCh38, 1-based): chr1:186,137,859, G>A. VCF-style: chr1-186137859-G-A. GRCh37 (hg19) VCF-style: chr1-186106991-G-A.
Other names: c.13811G>A (NM_031935.2); short protein forms R4604H.
Identifiers: ClinVar variation 2179986 (VCV002179986.5), dbSNP rs147789097, ClinGen allele CA1294764.